The following is an entry in ClinVar:

NM_001370466.1(NOD2):c.670A>G (p.Ile224Val)

Gene: NOD2 (nucleotide binding oligomerization domain containing 2; plus strand). Cytogenetic location: 16q12.1.
Variant type: single nucleotide variant.
Coding change: c.670A>G on transcript NM_001370466.1 (MANE Select); coding-DNA position 670, A replaced by G.
Protein change: p.Ile224Val; replaces isoleucine 224 with valine.
Molecular consequence: missense variant. On other transcripts: non-coding transcript variant (1).
Genome position (GRCh38, 1-based): chr16:50,710,662, A>G. VCF-style: chr16-50710662-A-G. GRCh37 (hg19) VCF-style: chr16-50744573-A-G.
Other names: c.670A>G, p.Ile224Val (NM_001293557.2); c.751A>G, p.Ile251Val (NM_022162.3); short protein forms I224V, I251V.
Identifiers: ClinVar variation 2931636 (VCV002931636.5), dbSNP rs758462936, ClinGen allele CA281261445.
Genomic context (GRCh38, chr16:50,710,662, plus strand): 5'-TCTGCTCAGTCTCGCTTCCTCAGTACCTATGATGGAGCAGAGACGCTCTGCCTGGAGGAC[A>G]TATACACAGAGAATGTCCTGGAGGTCTGGGCAGATGTGGGCATGGCTGGACCCCCGCAGA-3'
Protein context (NP_001357395.1, residues 214-234): DGAETLCLED[Ile224Val]YTENVLEVWA

ClinVar aggregate classification (germline): Uncertain significance. Review status: criteria provided, multiple submitters, no conflicts (2 of 4 stars). 3 submissions from 3 submitters: Uncertain significance (3). Last evaluated 2025-10-24.

Conditions:
Regional enteritis. Also called: Enteritis, Granulomatous. Identifiers: MedGen C0678202, MeSH D003424.
Blau syndrome (BLAUS). Also called: ARTHROCUTANEOUVEAL GRANULOMATOSIS; GRANULOMATOSIS, FAMILIAL JUVENILE SYSTEMIC; GRANULOMATOSIS, FAMILIAL, BLAU TYPE; GRANULOMATOUS INFLAMMATORY ARTHRITIS, DERMATITIS, AND UVEITIS, FAMILIAL; JABS SYNDROME. Identifiers: Orphanet 90340, MedGen C5201146, MONDO:0008523, OMIM 186580.
Inborn genetic diseases. Identifiers: MedGen C0950123, MeSH D030342.

Allele frequency attached by ClinVar (database versions not stated): gnomAD 0.00001; TOPMed 0.00002; gnomAD exomes 0.00003.
gnomAD v4.1: 45 of 1,614,078 alleles (0.0028%); highest among the groups gnomAD compares: Non-Finnish European, 0.0034%; no homozygotes.

Submissions (3):

Labcorp Genetics (formerly Invitae), Labcorp
Classification: Uncertain significance for Regional enteritis; Blau syndrome. Last evaluated: 2025-10-24. Review status: criteria provided, single submitter. Criteria: Invitae Variant Classification Sherloc (09022015). Collection method: clinical testing. Allele origin: germline.
Comment: This sequence change replaces isoleucine, which is neutral and non-polar, with valine, which is neutral and non-polar, at codon 251 of the NOD2 protein (p.Ile251Val). This variant is present in population databases (rs758462936, gnomAD 0.01%). This variant has not been reported in the literature in individuals affected with NOD2-related conditions. ClinVar contains an entry for this variant (Variation ID: 2931636). Invitae Evidence Modeling of protein sequence and biophysical properties (such as structural, functional, and spatial information, amino acid conservation, physicochemical variation, residue mobility, and thermodynamic stability) indicates that this missense variant is not expected to disrupt NOD2 protein function with a negative predictive value of 95%. In summary, the available evidence is currently insufficient to determine the role of this variant in disease. Therefore, it has been classified as a Variant of Uncertain Significance.

Ambry Genetics
Classification: Uncertain significance for Inborn genetic diseases. Last evaluated: 2025-08-27. Review status: criteria provided, single submitter. Criteria: Ambry Variant Classification Scheme 2023. Collection method: clinical testing. Allele origin: germline.

Women's Health and Genetics/Laboratory Corporation of America, LabCorp
Classification: Uncertain significance. Last evaluated: 2025-06-05. Review status: criteria provided, single submitter. Criteria: LabCorp Variant Classification Summary - May 2015. Collection method: clinical testing. Allele origin: germline.
Comment: Variant summary: NOD2 c.751A>G (p.Ile251Val) results in a conservative amino acid change in the encoded protein sequence. Algorithms developed to predict the effect of missense changes on protein structure and function are either unavailable or do not agree on the potential impact of this missense change. The variant allele was found at a frequency of 2e-05 in 251316 control chromosomes. The available data on variant occurrences in the general population are insufficient to allow any conclusion about variant significance. To our knowledge, no occurrence of c.751A>G in individuals affected with Blau syndrome and no experimental evidence demonstrating its impact on protein function have been reported. ClinVar contains an entry for this variant (Variation ID: 2931636). Based on the evidence outlined above, the variant was classified as uncertain significance.